The following is an entry in ClinVar:

NM_001256789.3(CACNA1F):c.2086-1G>C

Gene: CACNA1F (calcium voltage-gated channel subunit alpha1 F; minus strand). Cytogenetic location: Xp11.23.
Variant type: single nucleotide variant.
Coding change: c.2086-1G>C on transcript NM_001256789.3 (MANE Select); the canonical splice acceptor site of the intron before coding-DNA position 2086, G replaced by C.
Molecular consequence: splice acceptor variant.
Genome position (GRCh38, 1-based): chrX:49,222,839, C>G on the plus strand (G>C on the coding strand, the complement: CACNA1F is on the minus strand). VCF-style: chrX-49222839-C-G. GRCh37 (hg19) VCF-style: chrX-49079298-C-G.
Other names: c.2119-1G>C (NM_005183.4); c.1924-1G>C (NM_001256790.3).
Identifiers: ClinVar variation 2131362 (VCV002131362.5), dbSNP rs2520965630, ClinGen allele CA412911234.

ClinVar aggregate classification (germline): Pathogenic/Likely pathogenic. Review status: criteria provided, multiple submitters, no conflicts (2 of 4 stars). 2 submissions from 2 submitters: Pathogenic (1); Likely pathogenic (1). Last evaluated 2025-01-15.

Conditions:
X-linked cone-rod dystrophy 3 (CORDX3). Identifiers: Orphanet 1872, MedGen C1845407, MONDO:0010335, OMIM 300476.

Submissions (2):

Labcorp Genetics (formerly Invitae), Labcorp
Classification: Pathogenic. Last evaluated: 2025-01-15. Review status: criteria provided, single submitter. Criteria: Invitae Variant Classification Sherloc (09022015). Collection method: clinical testing. Allele origin: germline.
Comment: This sequence change affects an acceptor splice site in intron 15 of the CACNA1F gene. It is expected to disrupt RNA splicing. Variants that disrupt the donor or acceptor splice site typically lead to a loss of protein function (PMID: 16199547), and loss-of-function variants in CACNA1F are known to be pathogenic (PMID: 9662399, 11281458, 17525176, 22194652, 24124559, 26992781). This variant is not present in population databases (gnomAD no frequency). Disruption of this splice site has been observed in individuals with CACNA1F-related conditions (PMID: 30825406; internal data). ClinVar contains an entry for this variant (Variation ID: 2131362). Algorithms developed to predict the effect of sequence changes on RNA splicing suggest that this variant may disrupt the consensus splice site. For these reasons, this variant has been classified as Pathogenic.

Greenwood Genetic Center Diagnostic Laboratories, Greenwood Genetic Center
Classification: Likely pathogenic for X-linked cone-rod dystrophy 3. Last evaluated: 2024-05-23. Review status: criteria provided, single submitter. Criteria: ACMG Guidelines, 2015. Collection method: clinical testing. Allele origin: germline. Affected: yes.
Comment: PVS1, PM2

Literature cited by the submitters: PubMed 16199547 (cited by Labcorp Genetics (formerly Invitae), Labcorp); PubMed 9662399 (cited by Labcorp Genetics (formerly Invitae), Labcorp); PubMed 11281458 (cited by Labcorp Genetics (formerly Invitae), Labcorp); PubMed 17525176 (cited by Labcorp Genetics (formerly Invitae), Labcorp); PubMed 22194652 (cited by Labcorp Genetics (formerly Invitae), Labcorp); PubMed 24124559 (cited by Labcorp Genetics (formerly Invitae), Labcorp); PubMed 26992781 (cited by Labcorp Genetics (formerly Invitae), Labcorp); PubMed 30825406 (cited by Labcorp Genetics (formerly Invitae), Labcorp).